The following is an entry in ClinVar:

ClinVar aggregate classification (germline): Likely pathogenic (1 of 4 stars; one submission).

Allele frequency attached by ClinVar (database versions not stated): gnomAD exomes below 0.00001; TOPMed below 0.00001; gnomAD 0.00001.
gnomAD v4.1: 4 of 1,613,076 alleles (0.00025%); highest among the groups gnomAD compares: South Asian, 0.0033%; no homozygotes.

Submission:

GeneDx
Classification: Likely pathogenic. Last evaluated: 2019-10-01. Review status: criteria provided, single submitter. Criteria: GeneDx Variant Classification Process June 2021. Collection method: clinical testing. Allele origin: germline. Affected: yes.
Comment: Nonsense variant predicted to result in protein truncation or nonsense mediated decay in a gene for which loss-of-function is a known mechanism of disease; Not observed in large population cohorts (Lek et al., 2016); Has not been previously published as pathogenic or benign to our knowledge

NM_001205254.2(OCLN):c.724C>T (p.Gln242Ter)

Gene: OCLN (occludin; plus strand). Cytogenetic location: 5q13.2.
Variant type: single nucleotide variant.
Coding change: c.724C>T on transcript NM_001205254.2 (MANE Select); coding-DNA position 724, C replaced by T.
Protein change: p.Gln242Ter; replaces glutamine 242 with a stop codon.
Molecular consequence: nonsense. On other transcripts: intron variant (1).
Genome position (GRCh38, 1-based): chr5:69,509,814, C>T. VCF-style: chr5-69509814-C-T. GRCh37 (hg19) VCF-style: chr5-68805641-C-T.
Other names: c.724C>T, p.Gln242Ter (NM_001410743.1, NM_001438048.1, NM_001438604.1 and 1 more transcripts); c.-24-4134C>T (NM_001205255.2); short protein forms Q242*.
Identifiers: ClinVar variation 451555 (VCV000451555.3), dbSNP rs1472215562, ClinGen allele CA360077807.